The following is an entry in ClinVar:

ClinVar aggregate classification (germline): Likely benign (0 of 4 stars; one submission).

Conditions:
NRP1-related disorder. Also called: NRP1-related condition.

Allele frequency attached by ClinVar (database versions not stated): ExAC 0.00008; gnomAD exomes 0.00010; TOPMed 0.00014; gnomAD 0.00015; ESP Exome Variant Server 0.00031.
gnomAD v4.1: 172 of 1,614,024 alleles (0.011%); highest among the groups gnomAD compares: Non-Finnish European, 0.0053%; no homozygotes.

Submission:

PreventionGenetics, part of Exact Sciences
Classification: Likely benign for NRP1-related condition. Last evaluated: 2023-05-03. Review status: no assertion criteria provided. Collection method: clinical testing. Allele origin: germline.
Comment: This variant is classified as likely benign based on ACMG/AMP sequence variant interpretation guidelines (Richards et al. 2015 PMID: 25741868, with internal and published modifications).

NM_003873.7(NRP1):c.1109T>C (p.Ile370Thr)

Gene: NRP1 (neuropilin 1; minus strand). Cytogenetic location: 10p11.22.
Variant type: single nucleotide variant.
Coding change: c.1109T>C on transcript NM_003873.7 (MANE Select); coding-DNA position 1109, T replaced by C.
Protein change: p.Ile370Thr; replaces isoleucine 370 with threonine.
Molecular consequence: missense variant. On other transcripts: non-coding transcript variant (1).
Genome position (GRCh38, 1-based): chr10:33,226,162, A>G on the plus strand (T>C on the coding strand, the complement: NRP1 is on the minus strand). VCF-style: chr10-33226162-A-G. GRCh37 (hg19) VCF-style: chr10-33515090-A-G.
Other names: c.1109T>C, p.Ile370Thr (NM_001024628.3, NM_001024629.3, NM_001244972.2 and 2 more transcripts); short protein forms I370T.
Identifiers: ClinVar variation 3032255 (VCV003032255.2), dbSNP rs199673539, ClinGen allele CA5466737.